The following is an entry in ClinVar:

NM_000088.4(COL1A1):c.751-1G>A

Genes: COL1A1 (collagen type I alpha 1 chain; minus strand), LOC126862586 (CDK7 strongly-dependent group 2 enhancer GRCh37_chr17:48273702-48274901; plus strand). Cytogenetic location: 17q21.33.
Variant type: single nucleotide variant.
Coding change: c.751-1G>A on transcript NM_000088.4 (MANE Select); the canonical splice acceptor site of the intron before coding-DNA position 751, G replaced by A.
Molecular consequence: splice acceptor variant.
Genome position (GRCh38, 1-based): chr17:50,197,064, C>T on the plus strand (G>A on the coding strand, the complement: COL1A1 is on the minus strand). VCF-style: chr17-50197064-C-T. GRCh37 (hg19) VCF-style: chr17-48274425-C-T.
Identifiers: ClinVar variation 450029 (VCV000450029.12), dbSNP rs1555574516, ClinGen allele CA400224003.

ClinVar aggregate classification (germline): Pathogenic. Review status: criteria provided, multiple submitters, no conflicts (2 of 4 stars). 2 submissions from 2 submitters: Pathogenic (2). Last evaluated 2022-08-19.

Conditions:
Osteogenesis imperfecta type I (OI1). Also called: OI, TYPE I; OSTEOGENESIS IMPERFECTA TARDA; OSTEOGENESIS IMPERFECTA WITH BLUE SCLERAE; Lobstein disease; Osteogenesis imperfecta type 1; Lobstein's Disease. Identifiers: Orphanet 216796, Orphanet 666, MedGen C0023931, MONDO:0008146, OMIM 166200. Disease mechanism: loss of function.

Submissions (2):

Labcorp Genetics (formerly Invitae), Labcorp
Classification: Pathogenic for Osteogenesis imperfecta type I. Last evaluated: 2022-08-19. Review status: criteria provided, single submitter. Criteria: Invitae Variant Classification Sherloc (09022015). Collection method: clinical testing. Allele origin: germline.
Comment: For these reasons, this variant has been classified as Pathogenic. Algorithms developed to predict the effect of sequence changes on RNA splicing suggest that this variant may disrupt the consensus splice site. ClinVar contains an entry for this variant (Variation ID: 450029). Disruption of this splice site has been observed in individuals with osteogenesis imperfecta (Invitae). This variant is not present in population databases (gnomAD no frequency). This sequence change affects an acceptor splice site in intron 10 of the COL1A1 gene. It is expected to disrupt RNA splicing. Variants that disrupt the donor or acceptor splice site typically lead to a loss of protein function (PMID: 16199547), and loss-of-function variants in COL1A1 are known to be pathogenic (PMID: 7942841, 9295084, 9443882).

GeneDx
Classification: Pathogenic. Last evaluated: 2017-06-15. Review status: criteria provided, single submitter. Criteria: GeneDx Variant Classification (06012015). Collection method: clinical testing. Allele origin: germline. Affected: yes.
Comment: Although the c.751-1 G>A variant has not been published as pathogenic or been reported as benign to our knowledge, it destroys the canonical splice acceptor site in intron 10 and is predicted to cause abnormal gene splicing. This substitution affects the triple helical region of the COL1A1 gene and may result in loss of multiple Gly-X-Y motifs due to exon skipping. Furthermore, other splice site variants in the COL1A1 gene, including one affecting the same canonical splice acceptor site (c.751-2 A>G), have been reported in the Human Gene Mutation Database in association with COL1A1-related disorders (Stenson et al., 2014). Finally, the c.751-1 G>A variant is not observed in large population cohorts (Lek et al., 2016; 1000 Genomes Consortium et al., 2015; Exome Variant Server). In summary, c.751-1 G>A in the COL1A1 gene is interpreted as a pathogenic variant.

Literature cited by the submitters: PubMed 16199547 (cited by Labcorp Genetics (formerly Invitae), Labcorp); PubMed 7942841 (cited by Labcorp Genetics (formerly Invitae), Labcorp); PubMed 9295084 (cited by Labcorp Genetics (formerly Invitae), Labcorp); PubMed 9443882 (cited by Labcorp Genetics (formerly Invitae), Labcorp).